The following is an entry in ClinVar:

ClinVar aggregate classification (germline): Uncertain significance (1 of 4 stars; one submission).

Conditions:
Hereditary cancer-predisposing syndrome. Also called: Neoplastic Syndromes, Hereditary; Tumor predisposition; Hereditary Cancer Syndrome; Hereditary neoplastic syndrome. Identifiers: Orphanet 140162, MedGen C0027672, MeSH D009386, MONDO:0015356.

Submission:

Ambry Genetics
Classification: Uncertain significance for Hereditary cancer-predisposing syndrome. Last evaluated: 2017-02-23. Review status: criteria provided, single submitter. Criteria: Ambry Variant Classification Scheme 2023. Collection method: clinical testing. Allele origin: germline.
Comment: The p.I303M variant (also known as c.909T>G), located in coding exon 5 of the SMARCA4 gene, results from a T to G substitution at nucleotide position 909. The isoleucine at codon 303 is replaced by methionine, an amino acid with highly similar properties. This amino acid position is well conserved in available vertebrate species. In addition, this alteration is predicted to be tolerated by in silico analysis. Since supporting evidence is limited at this time, the clinical significance of this alteration remains unclear.

NM_003072.5(SMARCA4):c.909T>G (p.Ile303Met)

Gene: SMARCA4 (SWI/SNF related BAF chromatin remodeling complex subunit ATPase 4; plus strand). Cytogenetic location: 19p13.2.
Variant type: single nucleotide variant.
Coding change: c.909T>G on transcript NM_003072.5 (MANE Select); coding-DNA position 909, T replaced by G.
Protein change: p.Ile303Met; replaces isoleucine 303 with methionine.
Molecular consequence: missense variant. On other transcripts: non-coding transcript variant (1).
Genome position (GRCh38, 1-based): chr19:10,987,715, T>G. VCF-style: chr19-10987715-T-G. GRCh37 (hg19) VCF-style: chr19-11098391-T-G.
Other names: c.909T>G, p.Ile303Met (NM_001128844.3, NM_001128845.2, NM_001128846.2 and 5 more transcripts); short protein forms I303M.
Identifiers: ClinVar variation 484951 (VCV000484951.5), dbSNP rs1555754852, ClinGen allele CA404058442.